The following is an entry in ClinVar:

ClinVar aggregate classification (germline): Uncertain significance. Review status: criteria provided, multiple submitters, no conflicts (2 of 4 stars). 2 submissions from 2 submitters: Uncertain significance (2). Last evaluated 2025-11-27.

Conditions:
Familial hypoparathyroidism. Also called: Familial isolated hypoparathyroidism. Identifiers: Orphanet 2238, MedGen C1832648, MONDO:0016390.

gnomAD v4.1: 10 of 1,613,498 alleles (0.00062%); highest among the groups gnomAD compares: East Asian, 0.0045%; no homozygotes.

Submissions (2):

Cambridge Genomics Laboratory, East Genomic Laboratory Hub, NHS Genomic Medicine Service
Classification: Uncertain significance for Familial hypoparathyroidism. Last evaluated: 2025-11-27. Review status: criteria provided, single submitter. Criteria: ACGS Best Practice Guidelines for Variant Classification in Rare Disease 2020. Collection method: clinical testing. Allele origin: germline. Affected: yes.
Comment: PM2_Supporting,PP2,PP3

Blueprint Genetics
Classification: Uncertain significance. Last evaluated: 2022-11-29. Review status: criteria provided, single submitter. Criteria: ACMG Guidelines, 2015. Collection method: clinical testing. Allele origin: germline.

NM_004752.4(GCM2):c.428G>A (p.Arg143Gln)

Gene: GCM2 (GCM transcription factor 2; minus strand). Cytogenetic location: 6p24.2.
Variant type: single nucleotide variant.
Coding change: c.428G>A on transcript NM_004752.4 (MANE Select); coding-DNA position 428, G replaced by A.
Protein change: p.Arg143Gln; replaces arginine 143 with glutamine.
Molecular consequence: missense variant.
Genome position (GRCh38, 1-based): chr6:10,876,473, C>T on the plus strand (G>A on the coding strand, the complement: GCM2 is on the minus strand). VCF-style: chr6-10876473-C-T. GRCh37 (hg19) VCF-style: chr6-10876706-C-T.
Other names: short protein forms R143Q.
Identifiers: ClinVar variation 4540612 (VCV004540612.2).